The following is an entry in ClinVar:

NM_006904.7(PRKDC):c.3814G>A (p.Gly1272Ser)

Gene: PRKDC (protein kinase, DNA-activated, catalytic subunit; minus strand). Cytogenetic location: 8q11.21.
Variant type: single nucleotide variant.
Coding change: c.3814G>A on transcript NM_006904.7 (MANE Select); coding-DNA position 3814, G replaced by A.
Protein change: p.Gly1272Ser; replaces glycine 1272 with serine.
Molecular consequence: missense variant.
Genome position (GRCh38, 1-based): chr8:47,893,172, C>T on the plus strand (G>A on the coding strand, the complement: PRKDC is on the minus strand). VCF-style: chr8-47893172-C-T. GRCh37 (hg19) VCF-style: chr8-48805733-C-T.
Other names: c.3814G>A, p.Gly1272Ser (NM_001081640.2); short protein forms G1272S.
Identifiers: ClinVar variation 3425300 (VCV003425300.1).

ClinVar aggregate classification (germline): Uncertain significance (1 of 4 stars; one submission).

Submission:

Ambry Genetics
Classification: Uncertain significance. Last evaluated: 2024-08-17. Review status: criteria provided, single submitter. Criteria: Ambry Variant Classification Scheme 2023. Collection method: clinical testing. Allele origin: germline.
Comment: The p.G1272S variant (also known as c.3814G>A), located in coding exon 31 of the PRKDC gene, results from a G to A substitution at nucleotide position 3814. The glycine at codon 1272 is replaced by serine, an amino acid with similar properties. This amino acid position is conserved. In addition, this alteration is predicted to be tolerated by in silico analysis. Based on the available evidence, the clinical significance of this variant remains unclear.